The following is an entry in ClinVar:

ClinVar aggregate classification (germline): Uncertain significance (1 of 4 stars; one submission).

Conditions:
Fanconi anemia (FA). Also called: Fanconi's anemia. Identifiers: Orphanet 84, MedGen C0015625, MeSH D005199, MONDO:0019391.

Submission:

Labcorp Genetics (formerly Invitae), Labcorp
Classification: Uncertain significance for Fanconi anemia. Last evaluated: 2021-09-01. Review status: criteria provided, single submitter. Criteria: Invitae Variant Classification Sherloc (09022015). Collection method: clinical testing. Allele origin: germline.
Comment: This sequence change falls in intron 2 of the FANCG gene. It does not directly change the encoded amino acid sequence of the FANCG protein. It affects a nucleotide within the consensus splice site of the intron. This variant is not present in population databases (ExAC no frequency). This variant has not been reported in the literature in individuals affected with FANCG-related conditions. ClinVar contains an entry for this variant (Variation ID: 408140). Variants that disrupt the consensus splice site are a relatively common cause of aberrant splicing (PMID: 17576681, 9536098). Algorithms developed to predict the effect of sequence changes on RNA splicing suggest that this variant is not likely to affect RNA splicing. In summary, the available evidence is currently insufficient to determine the role of this variant in disease. Therefore, it has been classified as a Variant of Uncertain Significance.

Literature cited by the submitters: PubMed 17576681; PubMed 9536098.

NM_004629.2(FANCG):c.175+4G>C

Gene: FANCG (FA complementation group G; minus strand). Cytogenetic location: 9p13.3.
Variant type: single nucleotide variant.
Coding change: c.175+4G>C on transcript NM_004629.2 (MANE Select); 4 bases into the intron after coding-DNA position 175, G replaced by C.
Molecular consequence: intron variant.
Genome position (GRCh38, 1-based): chr9:35,079,147, C>G on the plus strand (G>C on the coding strand, the complement: FANCG is on the minus strand). VCF-style: chr9-35079147-C-G. GRCh37 (hg19) VCF-style: chr9-35079144-C-G.
Identifiers: ClinVar variation 408140 (VCV000408140.6), dbSNP rs1060501869, ClinGen allele CA16612728.
Genomic context (GRCh38, chr9:35,079,147, plus strand): 5'-AGGAGCGGATGTTTCTCTGGCTATGGAAGAGGGGAACTGACCATCCTGGGGAGGACCCGC[C>G]TACCTTGCAGACTATGGAGGAGCCCTCTGAGCCCTTCCAGTGCATCCTGAGCCAACTGCT-3'